The following is an entry in ClinVar:

ClinVar aggregate classification (germline): Conflicting classifications of pathogenicity. Review status: criteria provided, conflicting classifications (1 of 4 stars). 4 submissions from 4 submitters: Likely pathogenic (2); Uncertain significance (1). 1 of the submissions does not count toward it. Last evaluated 2025-06-25.

Conditions:
DNHD1-related disorder. Also called: DNHD1-related condition.
Male infertility with spermatogenesis disorder. Identifiers: Orphanet 399775, MedGen C5681167, MONDO:0018391.

Submissions (4):

GeneDx
Classification: Uncertain significance. Last evaluated: 2025-06-25. Review status: criteria provided, single submitter. Criteria: GeneDx Variant Classification Process June 2021. Collection method: clinical testing. Allele origin: germline. Affected: yes.
Comment: Canonical splice site variant predicted to result in a null allele in a gene for which loss of function is a known mechanism of disease; Has not been previously published as pathogenic or benign to our knowledge

Laboratory for Molecular Medicine, Mass General Brigham Personalized Medicine
Classification: Likely pathogenic for Male infertility with spermatogenesis disorder. Last evaluated: 2024-01-08. Review status: criteria provided, single submitter. Criteria: ACMG Guidelines, 2015. Collection method: clinical testing. Allele origin: germline. Inheritance: Autosomal recessive inheritance.
Comment: The c.11207-9_11207delTACCCCAAGT variant in DNHD1 has not been previously reported in individuals with asthenoteratozoospermia but has been been reported by other clinical laboratories in ClinVar (Variation ID 2175958). It has also been identified in 0.17% (71/41440) of African chromosomes by gnomAD (v.3.1.2). This variant is a deletion that spans the acceptor canonical splice site that involves exon 35, which is predicted to lead to altered splicing. Loss of function variants in DNHD1 gene have been reported in individuals with autosomal recessive asthenoteratozoospermia (Tan 2022 PMID: 34932939, Martinez 2023 PMID: 36768883). Additionally, knockout mouse models have shown that mice without DNHD1 had infertility with decreased sperm concentration and motility rate and abnormal sperm flagella, recapitulating the human phenotype (Tan 2022 PMID: 34932939). Additionally, DNHD1 was absent in the flagella of individuals with asthenoteratozoospermia (Tan 2022 PMID: 34932939, Martinez 2023 PMID: 36768883). In summary, although additional studies are required to fully establish its clinical significance, this variant meets criteria to be classified as likely pathogenic for autosomal recessive asthenoteratozoospermia. ACMG/AMP Criteria applied: PVS1, PM2_Supporting.

Labcorp Genetics (formerly Invitae), Labcorp
Classification: Likely pathogenic. Last evaluated: 2022-06-28. Review status: criteria provided, single submitter. Criteria: Invitae Variant Classification Sherloc (09022015). Collection method: clinical testing. Allele origin: germline.
Comment: This variant results in the deletion of part of exon 35 of the DNHD1 gene. It is expected to disrupt RNA splicing. Variants that disrupt the donor or acceptor splice site typically lead to a loss of protein function (PMID: 16199547), and loss-of-function variants in DNHD1 are known to be pathogenic (PMID: 34932939). This variant is present in population databases (rs759052984, gnomAD 0.1%). This variant has not been reported in the literature in individuals affected with DNHD1-related conditions. Algorithms developed to predict the effect of sequence changes on RNA splicing suggest that this variant may disrupt the consensus splice site. In summary, the currently available evidence indicates that the variant is pathogenic, but additional data are needed to prove that conclusively. Therefore, this variant has been classified as Likely Pathogenic.

PreventionGenetics, part of Exact Sciences
Classification: Uncertain significance for DNHD1-related condition. Last evaluated: 2025-02-12. Review status: no assertion criteria provided. Collection method: clinical testing. Allele origin: germline. Not counted in ClinVar's aggregate classification.
Comment: To our knowledge, this variant has not been reported in any affected individuals in the literature. This variant is reported in 0.13% of alleles in individuals of African descent in gnomAD. Early termination changes up and downstream of this variant have been reported in affected individuals. Although we suspect that this variant may be pathogenic, at this time, the clinical significance of this variant is uncertain due to the absence of conclusive functional and genetic evidence.

Literature cited by the submitters: PubMed 36768883 (cited by Laboratory for Molecular Medicine, Mass General Brigham Personalized Medicine); PubMed 34932939 (cited by Laboratory for Molecular Medicine, Mass General Brigham Personalized Medicine and Labcorp Genetics (formerly Invitae), Labcorp); PubMed 16199547 (cited by Labcorp Genetics (formerly Invitae), Labcorp).

NM_144666.3(DNHD1):c.11207-9_11207del

Gene: DNHD1 (dynein heavy chain domain 1; plus strand). Cytogenetic location: 11p15.4.
Variant type: Deletion.
Coding change: c.11207-9_11207del on transcript NM_144666.3 (MANE Select); 9 bases into the intron before coding-DNA position 11207 through coding-DNA position 11207, 10 bases deleted (TACCCCAAGT; older notation c.11207-9_11207delTACCCCAAGT).
Molecular consequence: splice acceptor variant.
Genome position (GRCh38, 1-based): chr11:6,566,578-6,566,587, TACCCCAAGT deleted; deleting any 10 consecutive bases within chr11:6,566,576-6,566,587 gives the same sequence; the c. name uses the placement nearest the transcript's 3' end. VCF-style (leftmost placement, unchanged base first): chr11-6566575-TGTTACCCCAA-T. GRCh37 (hg19) VCF-style: chr11-6587805-TGTTACCCCAA-T.
Other names: c.11207-9_11207del10 (NM_144666.2).
Identifiers: ClinVar variation 2175958 (VCV002175958.6), dbSNP rs759052984, ClinGen allele CA5856591.